The following is an entry in ClinVar:

NM_001174089.2(SLC4A11):c.2366dup (p.Ala790fs)

Gene: SLC4A11 (solute carrier family 4 member 11; minus strand). Cytogenetic location: 20p13.
Variant type: Duplication.
Coding change: c.2366dup on transcript NM_001174089.2 (MANE Select); coding-DNA position 2366, one base duplicated (T; older notation c.2366dupT).
Protein change: p.Ala790fs; shifts the reading frame from alanine 790.
Molecular consequence: frameshift variant. On other transcripts: non-coding transcript variant (3).
Genome position (GRCh38, 1-based): chr20:3,228,534, A duplicated on the plus strand (T on the coding strand, the reverse complement: SLC4A11 is on the minus strand). VCF-style (leftmost placement, unchanged base first): chr20-3228533-C-CA. GRCh37 (hg19) VCF-style: chr20-3209179-C-CA.
Other names: c.2495dup, p.Ala833fs (NM_001174090.2); c.2252dup, p.Ala752fs (NM_001363745.2); c.2309dup, p.Ala771fs (NM_001400277.1, NM_001400278.1, NM_001400279.1); c.2381dup, p.Ala795fs (NM_001400280.1); c.2414dup, p.Ala806fs (NM_032034.4); c.[2413_2414insT] (NM_032034.4); short protein forms A752fs, A771fs, A790fs, A795fs, A806fs, A833fs.
Identifiers: ClinVar variation 1711856 (VCV001711856.1), dbSNP rs2514517017, ClinGen allele CA2580097996.
Genomic context (GRCh38, chr20:3,228,533, plus strand): 5'-CCCCACCCACGCCACTCCCTCGCAGGGCCAAGCGCTCACCTGCTCCTTGAGCAGCAGGGC[C>CA]ACGCGCTGGACGAGCTGGTTGCCATCGAGGGAGGTGAGCGCGATGTAGAGGAAGAGGCCA-3'

ClinVar aggregate classification (germline): Pathogenic (1 of 4 stars; one submission).

Conditions:
Congenital hereditary endothelial dystrophy of cornea. Also called: Congenital hereditary endothelial dystrophy of the cornea; Maumenee corneal dystrophy; Congenital hereditary endothelial dystrophy type II; CORNEAL DYSTROPHY, CONGENITAL HEREDITARY ENDOTHELIAL; Corneal endothelial dystrophy, autosomal recessive. Identifiers: Orphanet 293603, MedGen C1857569, MONDO:0009019, OMIM 217700.

Submission:

Prof. Brien Holden Eye Research Center, Hyderabad Eye Research Foundation, L V Prasad Eye Institute
Classification: Pathogenic for Congenital hereditary endothelial dystrophy of cornea. Last evaluated: 2022-08-07. Review status: criteria provided, single submitter. Criteria: ACMG Guidelines, 2015. Collection method: case-control. Allele origin: unknown. Affected: yes.
Comment: Opaque cornea with reduced visual acuity. This change was observed with the other variant (NM_032034.4:c.[481A>C]).

A non-consanguineous Indian family with two affected members presented with a CHED clinical phenotype. Both affected siblings showed varying degrees of corneal clouding with reduced visual acuity. Both the siblings were identified with an insertion of T at cDNA 2413, introducing a frameshift variation likely to result in amino acid residue change from 805th position onward and a premature termination at 877th position of SLC4A11 (p.Val805fs). This variation was observed as compound heterozygous change along with a substitution of A>C at cDNA 481 position (p.Arg161Arg). The change was not observed in the 80 healthy Indian controls.